The following is an entry in ClinVar:

ClinVar aggregate classification (germline): Conflicting classifications of pathogenicity. Review status: criteria provided, conflicting classifications (1 of 4 stars). 4 submissions from 4 submitters: Uncertain significance (3); Likely benign (1). Last evaluated 2024-11-08.

Conditions:
Inborn genetic diseases. Identifiers: MedGen C0950123, MeSH D030342.

Allele frequency attached by ClinVar (database versions not stated): gnomAD 0.00033 and 0.00035; TOPMed 0.00036; gnomAD exomes 0.00039 and 0.00046; ExAC 0.00054; ESP Exome Variant Server 0.00056.

Submissions (4):

Blueprint Genetics
Classification: Likely benign. Last evaluated: 2024-11-08. Review status: criteria provided, single submitter. Criteria: ACMG Guidelines, 2015. Collection method: clinical testing. Allele origin: germline.

Women's Health and Genetics/Laboratory Corporation of America, LabCorp
Classification: Uncertain significance. Last evaluated: 2024-09-09. Review status: criteria provided, single submitter. Criteria: LabCorp Variant Classification Summary - May 2015. Collection method: clinical testing. Allele origin: germline.
Comment: Variant summary: TBC1D24 c.*1C>T is located in the untranslated mRNA region downstream of the termination codon. The variant allele was found at a frequency of 0.00046 in 244220 control chromosomes. This frequency is not significantly higher than estimated for a pathogenic variant in TBC1D24 causing TBC1D24-Related Disorders, allowing no conclusion about variant significance. To our knowledge, no occurrence of c.*1C>T in individuals affected with TBC1D24-Related Disorders and no experimental evidence demonstrating its impact on protein function have been reported. ClinVar contains an entry for this variant (Variation ID: 588033). Based on the evidence outlined above, the variant was classified as uncertain significance.

Ambry Genetics
Classification: Uncertain significance for Inborn genetic diseases. Last evaluated: 2016-08-17. Review status: criteria provided, single submitter. Criteria: Ambry Variant Classification Scheme 2023. Collection method: clinical testing. Allele origin: germline.
Comment: The c.*1C>T variant is located in the 3' untranslated region (3&rsquo; UTR) of the TBC1D24 gene. This variant results from a C to T substitution in the last translated codon. This nucleotide position is not well conserved in available vertebrate species and T is the reference nucleotide in several species. Since supporting evidence is limited at this time, the clinical significance of this variant remains unclear.

Breakthrough Genomics
Classification: Uncertain significance. Review status: criteria provided, single submitter. Criteria: ACMG Guidelines, 2015. Collection method: not provided. Allele origin: germline. Inheritance: Autosomal recessive inheritance. Affected: yes.

NM_001199107.2(TBC1D24):c.*1C>T

Gene: TBC1D24 (TBC1 domain family member 24; plus strand). Cytogenetic location: 16p13.3.
Variant type: single nucleotide variant.
Coding change: c.*1C>T on transcript NM_001199107.2 (MANE Select); 1 bases downstream of the stop codon, C replaced by T.
Molecular consequence: 3 prime UTR variant.
Genome position (GRCh38, 1-based): chr16:2,500,959, C>T. VCF-style: chr16-2500959-C-T. GRCh37 (hg19) VCF-style: chr16-2550960-C-T.
Other names: c.*1C>T (NM_020705.3).
Identifiers: ClinVar variation 588033 (VCV000588033.8), dbSNP rs370047688, ClinGen allele CA7844374.
Genomic context (GRCh38, chr16:2,500,959, plus strand): 5'-GAGAACTTCCTCATTGCTGCCGTGGAGGCCTGGGGCTTCCAGGACCCTGACACCCAGTGA[C>T]GGCCTGTGCCACGGTGACTGAGCCGTGGTGGGGCGGTGGGCCGAGGCTGGGCTGCCGCCT-3'